The following is an entry in ClinVar:

NM_000455.5(STK11):c.380T>A (p.Met127Lys)

Gene: STK11 (serine/threonine kinase 11; plus strand). Cytogenetic location: 19p13.3.
Variant type: single nucleotide variant.
Coding change: c.380T>A on transcript NM_000455.5 (MANE Select); coding-DNA position 380, T replaced by A.
Protein change: p.Met127Lys; replaces methionine 127 with lysine.
Molecular consequence: missense variant. On other transcripts: non-coding transcript variant (1).
Genome position (GRCh38, 1-based): chr19:1,219,329, T>A. VCF-style: chr19-1219329-T-A. GRCh37 (hg19) VCF-style: chr19-1219328-T-A.
Other names: c.380T>A, p.Met127Lys (NM_001407255.1); short protein forms M127K.
Identifiers: ClinVar variation 3963253 (VCV003963253.1).

ClinVar aggregate classification (germline): Uncertain significance (1 of 4 stars; one submission).

Conditions:
Hereditary cancer-predisposing syndrome. Also called: Tumor predisposition; Hereditary neoplastic syndrome; Hereditary Cancer Syndrome; Neoplastic Syndromes, Hereditary. Identifiers: Orphanet 140162, MedGen C0027672, MeSH D009386, MONDO:0015356.

Submission:

Ambry Genetics
Classification: Uncertain significance for Hereditary cancer-predisposing syndrome. Last evaluated: 2025-03-18. Review status: criteria provided, single submitter. Criteria: Ambry Variant Classification Scheme 2023. Collection method: clinical testing. Allele origin: germline.
Comment: The p.M127K variant (also known as c.380T>A), located in coding exon 3 of the STK11 gene, results from a T to A substitution at nucleotide position 380. The methionine at codon 127 is replaced by lysine, an amino acid with similar properties. This amino acid position is conserved. In addition, this alteration is predicted to be deleterious by in silico analysis. Based on the available evidence, the clinical significance of this variant remains unclear.